The following is an entry in ClinVar:

ClinVar aggregate classification (germline): Uncertain significance (1 of 4 stars; one submission).

gnomAD v4.1: 1 of 1,597,106 alleles (0.000063%); highest among the groups gnomAD compares: Non-Finnish European, 0.000085%; no homozygotes.

Submission:

GeneDx
Classification: Uncertain significance. Last evaluated: 2025-07-31. Review status: criteria provided, single submitter. Criteria: GeneDx Variant Classification Process June 2021. Collection method: clinical testing. Allele origin: germline. Affected: yes.
Comment: Not observed at significant frequency in large population cohorts (gnomAD); In silico analysis supports that this missense variant has a deleterious effect on protein structure/function; Has not been previously published as pathogenic or benign to our knowledge

NM_022841.7(RFX7):c.424T>G (p.Tyr142Asp)

Gene: RFX7 (regulatory factor X7; minus strand). Cytogenetic location: 15q21.3.
Variant type: single nucleotide variant.
Coding change: c.424T>G on transcript NM_022841.7 (MANE Select); coding-DNA position 424, T replaced by G.
Protein change: p.Tyr142Asp; replaces tyrosine 142 with aspartic acid.
Molecular consequence: missense variant.
Genome position (GRCh38, 1-based): chr15:56,103,648, A>C on the plus strand (T>G on the coding strand, the complement: RFX7 is on the minus strand). VCF-style: chr15-56103648-A-C. GRCh37 (hg19) VCF-style: chr15-56395846-A-C.
Other names: c.133T>G, p.Tyr45Asp (NM_001368073.2, NM_001368074.1, NM_001370554.1); c.424T>G, p.Tyr142Asp (NM_001370561.1); short protein forms Y142D, Y45D.
Identifiers: ClinVar variation 4690106 (VCV004690106.1).